The following is an entry in ClinVar:

NM_003000.3(SDHB):c.201-2A>C

Gene: SDHB (succinate dehydrogenase complex iron sulfur subunit B; minus strand). Cytogenetic location: 1p36.13.
Variant type: single nucleotide variant.
Coding change: c.201-2A>C on transcript NM_003000.3 (MANE Select); the canonical splice acceptor site of the intron before coding-DNA position 201, A replaced by C.
Molecular consequence: splice acceptor variant.
Genome position (GRCh38, 1-based): chr1:17,033,147, T>G on the plus strand (A>C on the coding strand, the complement: SDHB is on the minus strand). VCF-style: chr1-17033147-T-G. GRCh37 (hg19) VCF-style: chr1-17359642-T-G.
Other names: c.201-2A>C (NM_001407361.1).
Identifiers: ClinVar variation 239425 (VCV000239425.8), dbSNP rs878854574, ClinGen allele CA10581750.

ClinVar aggregate classification (germline): Pathogenic. Review status: criteria provided, multiple submitters, no conflicts (2 of 4 stars). 3 submissions from 3 submitters: Pathogenic (3). Last evaluated 2026-01-13.

Conditions:
Hereditary cancer-predisposing syndrome. Also called: Neoplastic Syndromes, Hereditary; Hereditary neoplastic syndrome; Tumor predisposition; Hereditary Cancer Syndrome. Identifiers: Orphanet 140162, MedGen C0027672, MeSH D009386, MONDO:0015356.
Gastrointestinal stromal tumor. Also called: Gastrointestinal stroma tumor; Gastrointestinal stromal tumor, somatic. Identifiers: Orphanet 44890, MedGen C0238198, MeSH D046152, MONDO:0011719, OMIM 606764, HP:0100723.
Pheochromocytoma. Also called: MAX-Related Hereditary Paraganglioma-Pheochromocytoma Syndrome. Identifiers: Orphanet 29072, MedGen C0031511, MONDO:0008233, OMIM 171300, HP:0002666.
Pheochromocytoma/paraganglioma syndrome 4. Also called: SDHB-Related Hereditary Paraganglioma-Pheochromocytoma Syndrome; PARAGANGLIOMA, FAMILIAL MALIGNANT; PARAGANGLIOMAS, HEREDITARY EXTRAADRENAL; PHEOCHROMOCYTOMA, FAMILIAL EXTRAADRENAL; Paragangliomas 4; SDHB-Related Hereditary Paraganglioma-Pheochromocytoma Syndrome (Paragangliomas 4). Identifiers: Orphanet 29072, MedGen C1861848, MONDO:0007273, OMIM 115310.

Allele frequency attached by ClinVar (database versions not stated): gnomAD 0.00001; gnomAD exomes below 0.00001.
gnomAD v4.1: 2 of 1,607,858 alleles (0.00012%); highest among the groups gnomAD compares: East Asian, 0.0045%; no homozygotes.

Submissions (3):

Labcorp Genetics (formerly Invitae), Labcorp
Classification: Pathogenic for Gastrointestinal stromal tumor; Pheochromocytoma/paraganglioma syndrome 4; Pheochromocytoma. Last evaluated: 2026-01-13. Review status: criteria provided, single submitter. Criteria: Invitae Variant Classification Sherloc (09022015). Collection method: clinical testing. Allele origin: germline.
Comment: This sequence change affects an acceptor splice site in intron 2 of the SDHB gene. It is expected to disrupt RNA splicing. Variants that disrupt the donor or acceptor splice site typically lead to a loss of protein function (PMID: 16199547), and loss-of-function variants in SDHB are known to be pathogenic (PMID: 19454582, 19802898). This variant is not present in population databases (gnomAD no frequency). Disruption of this splice site has been observed in individuals with SDHB-related conditions (PMID: 28960644, 29925701). ClinVar contains an entry for this variant (Variation ID: 239425). Algorithms developed to predict the effect of sequence changes on RNA splicing suggest that this variant may disrupt the consensus splice site. For these reasons, this variant has been classified as Pathogenic.

Myriad Genetics, Inc.
Classification: Pathogenic for Pheochromocytoma/paraganglioma syndrome 4. Last evaluated: 2025-07-21. Review status: criteria provided, single submitter. Criteria: Myriad Autosomal Dominant, Autosomal Recessive and X-Linked Classification Criteria (2023). Collection method: clinical testing. Allele origin: unknown.
Comment: This variant is considered pathogenic. This variant occurs within a consensus splice junction and is predicted to result in abnormal mRNA splicing of either an out-of-frame exon or an in-frame exon necessary for protein stability and/or normal function. This variant has been reported in multiple individuals with clinical features of gene-specific disease [PMID: 29925701, 34797335, 36597280, 34439168, 35300626].

Ambry Genetics
Classification: Pathogenic for Hereditary cancer-predisposing syndrome. Last evaluated: 2023-02-24. Review status: criteria provided, single submitter. Criteria: Ambry Variant Classification Scheme 2023. Collection method: clinical testing. Allele origin: germline.
Comment: The c.201-2A>C intronic pathogenic mutation results from an A to C substitution two nucleotides upstream from coding exon 3 in the SDHB gene. This alteration has been observed in at least one individual with a personal and/or family history that is consistent with SDHB-related disease (Ambry internal data; Iwashita H et al. Pathol Int, 2017 Nov;67:585-589; Yamanaka M et al. Tohoku J Exp Med, 2018 Jun;245:99-105). Of note, this alteration is also designated as IVS2-2A>C in published literature. This variant is considered to be rare based on population cohorts in the Genome Aggregation Database (gnomAD). This nucleotide position is highly conserved in available vertebrate species. In silico splice site analysis predicts that this alteration will weaken the native splice acceptor site. Based on the supporting evidence, this alteration is interpreted as a disease-causing mutation.

Literature cited by the submitters: PubMed 16199547 (cited by Labcorp Genetics (formerly Invitae), Labcorp); PubMed 19454582 (cited by Labcorp Genetics (formerly Invitae), Labcorp); PubMed 19802898 (cited by Labcorp Genetics (formerly Invitae), Labcorp); PubMed 28960644 (cited by Labcorp Genetics (formerly Invitae), Labcorp and Ambry Genetics); PubMed 29925701 (cited by 3 submitters); PubMed 34797335 (cited by Myriad Genetics, Inc.); PubMed 36597280 (cited by Myriad Genetics, Inc.); PubMed 34439168 (cited by Myriad Genetics, Inc.); PubMed 35300626 (cited by Myriad Genetics, Inc.).